The following is an entry in ClinVar:

NM_000051.4(ATM):c.7421del (p.Leu2474fs)

Genes: ATM (ATM serine/threonine kinase; plus strand), C11orf65 (chromosome 11 open reading frame 65; minus strand). Cytogenetic location: 11q22.3.
Variant type: Deletion.
Coding change: c.7421del on transcript NM_000051.4 (MANE Select); coding-DNA position 7421, one base deleted (T; older notation c.7421delT).
Protein change: p.Leu2474fs; shifts the reading frame from leucine 2474.
Molecular consequence: frameshift variant. On other transcripts: intron variant (2).
Genome position (GRCh38, 1-based): chr11:108,330,327, T deleted; the last of 2 consecutive T bases (chr11:108,330,326-108,330,327); deleting either gives the same sequence. VCF-style (leftmost placement, unchanged base first): chr11-108330325-CT-C. GRCh37 (hg19) VCF-style: chr11-108201052-CT-C.
Other names: c.7421del, p.Leu2474fs (NM_001351834.2); c.641-21255del (NM_001330368.2); c.*38+4894del (NM_001351110.2); short protein forms L2474fs.
Identifiers: ClinVar variation 3904753 (VCV003904753.1).

ClinVar aggregate classification (germline): Pathogenic (1 of 4 stars; one submission).

Conditions:
Familial cancer of breast. Also called: Hereditary breast cancer; BREAST CANCER, FAMILIAL; hereditary breast carcinoma. Identifiers: Orphanet 227535, MedGen C0346153, MONDO:0016419, OMIM 114480. Disease mechanism: loss of function.

Submission:

Myriad Genetics, Inc.
Classification: Pathogenic for Familial cancer of breast. Last evaluated: 2025-03-31. Review status: criteria provided, single submitter. Criteria: Myriad Autosomal Dominant, Autosomal Recessive and X-Linked Classification Criteria (2023). Collection method: clinical testing. Allele origin: unknown.
Comment: This variant is considered pathogenic. This variant creates a frameshift predicted to result in premature protein truncation.